The following is an entry in ClinVar:

NM_014974.3(DIP2C):c.2180C>T (p.Thr727Met)

Gene: DIP2C (DIP2 acetate--CoA ligase C (putative); minus strand). Cytogenetic location: 10p15.3.
Variant type: single nucleotide variant.
Coding change: c.2180C>T on transcript NM_014974.3 (MANE Select); coding-DNA position 2180, C replaced by T.
Protein change: p.Thr727Met; replaces threonine 727 with methionine.
Molecular consequence: missense variant.
Genome position (GRCh38, 1-based): chr10:366,363, G>A on the plus strand (C>T on the coding strand, the complement: DIP2C is on the minus strand). VCF-style: chr10-366363-G-A. GRCh37 (hg19) VCF-style: chr10-412303-G-A.
Other names: short protein forms T727M.
Identifiers: ClinVar variation 2888423 (VCV002888423.3), dbSNP rs199504903, ClinGen allele CA5380552.

ClinVar aggregate classification (germline): Uncertain significance (1 of 4 stars; one submission).

Allele frequency attached by ClinVar (database versions not stated): gnomAD 0.00001; gnomAD exomes 0.00001; ExAC 0.00002; TOPMed 0.00002; 1000 Genomes Project 30x 0.00016; 1000 Genomes Project 0.00020.
gnomAD v4.1: 19 of 1,614,170 alleles (0.0012%); highest among the groups gnomAD compares: South Asian, 0.0077%; no homozygotes.

Submission:

Labcorp Genetics (formerly Invitae), Labcorp
Classification: Uncertain significance. Last evaluated: 2025-01-11. Review status: criteria provided, single submitter. Criteria: Invitae Variant Classification Sherloc (09022015). Collection method: clinical testing. Allele origin: germline.
Comment: This sequence change replaces threonine, which is neutral and polar, with methionine, which is neutral and non-polar, at codon 727 of the DIP2C protein (p.Thr727Met). This variant is present in population databases (rs199504903, gnomAD 0.009%). This variant has not been reported in the literature in individuals affected with DIP2C-related conditions. ClinVar contains an entry for this variant (Variation ID: 2888423). An algorithm developed to predict the effect of missense changes on protein structure and function (PolyPhen-2) suggests that this variant is likely to be disruptive. In summary, the available evidence is currently insufficient to determine the role of this variant in disease. Therefore, it has been classified as a Variant of Uncertain Significance.